The following is an entry in ClinVar:

ClinVar aggregate classification (germline): Pathogenic (1 of 4 stars; one submission).

Conditions:
Inborn genetic diseases. Identifiers: MedGen C0950123, MeSH D030342.

Submission:

Ambry Genetics
Classification: Pathogenic for Inborn genetic diseases. Last evaluated: 2025-10-20. Review status: criteria provided, single submitter. Criteria: Ambry Variant Classification Scheme 2023. Collection method: clinical testing. Allele origin: germline.
Comment: The c.443_446delAGAG (p.E148Vfs*51) alteration, located in exon 3 (coding exon 3) of the CHD3 gene, consists of a deletion of 4 nucleotides from position 443 to 446, causing a translational frameshift with a predicted alternate stop codon after 51 amino acids. This alteration is expected to result in loss of function by premature protein truncation or nonsense-mediated mRNA decay. This variant was not reported in population-based cohorts in the Genome Aggregation Database (gnomAD). Based on the available evidence, this alteration is classified as pathogenic.

NM_001005273.3(CHD3):c.266_269del (p.Glu89fs)

Gene: CHD3 (chromodomain helicase DNA binding protein 3; plus strand). Cytogenetic location: 17p13.1.
Variant type: Microsatellite.
Coding change: c.266_269del on transcript NM_001005273.3 (MANE Select); coding-DNA positions 266 to 269, 4 bases deleted (AGAG; older notation c.266_269delAGAG).
Protein change: p.Glu89fs; shifts the reading frame from glutamic acid 89.
Molecular consequence: frameshift variant.
Genome position (GRCh38, 1-based): chr17:7,890,623-7,890,626, AGAG deleted; deleting any 4 consecutive bases within chr17:7,890,621-7,890,626 gives the same sequence; the c. name uses the placement nearest the transcript's 3' end. VCF-style (leftmost placement, unchanged base first): chr17-7890620-CAGAG-C. GRCh37 (hg19) VCF-style: chr17-7793938-CAGAG-C.
Other names: c.443_446del, p.Glu148fs (NM_001005271.3, NM_001437504.1, NM_001437507.1 and 2 more transcripts); c.266_269del, p.Glu89fs (NM_005852.4); short protein forms E148fs, E89fs.
Identifiers: ClinVar variation 4614506 (VCV004614506.1).